The following is an entry in ClinVar:

NM_001384140.1(PCDH15):c.2572del (p.Ser858fs)

Gene: PCDH15 (protocadherin related 15; minus strand). Cytogenetic location: 10q21.1.
Variant type: Deletion.
Coding change: c.2572del on transcript NM_001384140.1 (MANE Select); coding-DNA position 2572, one base deleted (A; older notation c.2572delA).
Protein change: p.Ser858fs; shifts the reading frame from serine 858.
Molecular consequence: frameshift variant.
Genome position (GRCh38, 1-based): chr10:54,020,371, T deleted on the plus strand (A on the coding strand, the reverse complement: PCDH15 is on the minus strand); the first of 2 consecutive T bases (chr10:54,020,371-54,020,372); deleting either gives the same sequence. VCF-style (leftmost placement, unchanged base first): chr10-54020370-CT-C. GRCh37 (hg19) VCF-style: chr10-55780130-CT-C.
Other names: c.2572del, p.Ser858fs (NM_001354430.2, NM_033056.4, NM_001142764.2 and 5 more transcripts); c.2587del, p.Ser863fs (NM_001142763.2, NM_001142771.2); c.2359del, p.Ser787fs (NM_001142765.2); c.2461del, p.Ser821fs (NM_001142767.2); c.2506del, p.Ser836fs (NM_001142768.2, NM_001142773.2, NM_001354404.2); c.2607delA, p.Ser870Alafs (NM_001142769.4); c.2593del, p.Ser865fs (NM_001354411.2); short protein forms S863fs, S865fs, S787fs, S821fs, S858fs, S870fs, S836fs.
Identifiers: ClinVar variation 962565 (VCV000962565.7), dbSNP rs2092878502, ClinGen allele CA1139661443.

ClinVar aggregate classification (germline): Pathogenic (1 of 4 stars; one submission).

Submission:

Labcorp Genetics (formerly Invitae), Labcorp
Classification: Pathogenic. Last evaluated: 2021-04-16. Review status: criteria provided, single submitter. Criteria: Invitae Variant Classification Sherloc (09022015). Collection method: clinical testing. Allele origin: germline.
Comment: This variant is not present in population databases (ExAC no frequency). This sequence change creates a premature translational stop signal (p.Ser858Alafs*4) in the PCDH15 gene. It is expected to result in an absent or disrupted protein product. Loss-of-function variants in PCDH15 are known to be pathogenic (PMID: 11398101, 11487575, 14570705). This variant has not been reported in the literature in individuals with PCDH15-related conditions. ClinVar contains an entry for this variant (Variation ID: 962565). For these reasons, this variant has been classified as Pathogenic.

Literature cited by the submitters: PubMed 11398101; PubMed 11487575; PubMed 14570705.